The following is an entry in ClinVar:

NM_001127208.3(TET2):c.2806A>C (p.Ser936Arg)

Genes: TET2 (tet methylcytosine dioxygenase 2; plus strand), TET2-AS1 (TET2 antisense RNA 1; minus strand). Cytogenetic location: 4q24.
Variant type: single nucleotide variant.
Coding change: c.2806A>C on transcript NM_001127208.3 (MANE Select); coding-DNA position 2806, A replaced by C.
Protein change: p.Ser936Arg; replaces serine 936 with arginine.
Molecular consequence: missense variant.
Genome position (GRCh38, 1-based): chr4:105,236,748, A>C. VCF-style: chr4-105236748-A-C. GRCh37 (hg19) VCF-style: chr4-106157905-A-C.
Other names: c.2806A>C, p.Ser936Arg (NM_017628.4); short protein forms S936R.
Identifiers: ClinVar variation 4806981 (VCV004806981.1).
Genomic context (GRCh38, chr4:105,236,748, plus strand): 5'-CAGCAAAGGTACTTGATACATAACCATGCAAATGTTTTTCCTGTGCCTGACCAGGGAGGA[A>C]GTCACACTCAGACCCCTCCCCAGAAGGACACTCAAAAGCATGCTGCTCTAAGGTGGCATC-3'
Protein context (NP_001120680.1, residues 926-946): NVFPVPDQGG[Ser936Arg]HTQTPPQKDT

ClinVar aggregate classification (germline): Uncertain significance (1 of 4 stars; one submission).

gnomAD v4.1: 3 of 1,614,134 alleles (0.00019%); highest among the groups gnomAD compares: Non-Finnish European, 0.00025%; no homozygotes.

Submission:

Labcorp Genetics (formerly Invitae), Labcorp
Classification: Uncertain significance. Last evaluated: 2025-07-29. Review status: criteria provided, single submitter. Criteria: Invitae Variant Classification Sherloc (09022015). Collection method: clinical testing. Allele origin: germline.
Comment: This sequence change replaces serine, which is neutral and polar, with arginine, which is basic and polar, at codon 936 of the TET2 protein (p.Ser936Arg). This variant is not present in population databases (gnomAD no frequency). This variant has not been reported in the literature in individuals affected with TET2-related conditions. An algorithm developed to predict the effect of missense changes on protein structure and function outputs the following: PolyPhen-2: "Benign". The arginine amino acid residue is found in multiple mammalian species, which suggests that this missense change does not adversely affect protein function. In summary, the available evidence is currently insufficient to determine the role of this variant in disease. Therefore, it has been classified as a Variant of Uncertain Significance.